The following is an entry in ClinVar:

NM_001739.2(CA5A):c.453C>T (p.Pro151=)

Gene: CA5A (carbonic anhydrase 5A; minus strand). Cytogenetic location: 16q24.2.
Variant type: single nucleotide variant.
Coding change: c.453C>T on transcript NM_001739.2 (MANE Select); coding-DNA position 453, C replaced by T.
Protein change: p.Pro151=; no amino-acid change (proline 151 retained).
Molecular consequence: synonymous variant. On other transcripts: non-coding transcript variant (1).
Genome position (GRCh38, 1-based): chr16:87,904,792, G>A on the plus strand (C>T on the coding strand, the complement: CA5A is on the minus strand). VCF-style: chr16-87904792-G-A. GRCh37 (hg19) VCF-style: chr16-87938398-G-A.
Other names: c.453C>T, p.Pro151= (NM_001367225.1).
Identifiers: ClinVar variation 379954 (VCV000379954.17), dbSNP rs7186698, ClinGen allele CA8223488.
Genomic context (GRCh38, chr16:87,904,792, plus strand): 5'-AGCCGGAGACATGGAAAGTGTGCAGATATGTGCTGTTAGGCCACGTCTACAAACCTCTGC[G>A]GGGTACGCGTGGCCGTCCACTGTGTGCTCTGAGCCCCCCTCGTTCACTGCTCCCCAGTGG-3'
Protein context (NP_001730.1, residues 141-161): SEHTVDGHAY[Pro151=]AELHLVHWNS

ClinVar aggregate classification (germline): Benign. Review status: criteria provided, multiple submitters, no conflicts (2 of 4 stars). 5 submissions from 5 submitters: Benign (4). 1 of the submissions does not count toward it. Last evaluated 2026-02-01.

Conditions:
Hyperammonemic encephalopathy due to carbonic anhydrase VA deficiency. Also called: Carbonic Anhydrase VA Deficiency; Carbonic anhydrase VA deficiency, hyperammonemia due to. Identifiers: Orphanet 401948, MedGen C4706871, MONDO:0014332, OMIM 615751.

Allele frequency attached by ClinVar (database versions not stated): TOPMed 0.15512; 1000 Genomes Project 30x 0.16084; gnomAD 0.16216 and 0.16604; ESP Exome Variant Server 0.16705; 1000 Genomes Project 0.16713; gnomAD exomes 0.18674; ExAC 0.18701.
gnomAD v4.1: 310,532 of 1,595,794 alleles (19%); highest among the groups gnomAD compares: South Asian, 28%; 31,835 homozygotes.

Submissions (5):

Labcorp Genetics (formerly Invitae), Labcorp
Classification: Benign for Hyperammonemic encephalopathy due to carbonic anhydrase VA deficiency. Last evaluated: 2026-02-01. Review status: criteria provided, single submitter. Criteria: Invitae Variant Classification Sherloc (09022015). Collection method: clinical testing. Allele origin: germline.

Genome-Nilou Lab
Classification: Benign for Hyperammonemic encephalopathy due to carbonic anhydrase VA deficiency. Last evaluated: 2021-07-14. Review status: criteria provided, single submitter. Criteria: ACMG Guidelines, 2015. Collection method: clinical testing. Allele origin: germline. Affected: no.

GeneDx
Classification: Benign. Last evaluated: 2016-01-24. Review status: criteria provided, single submitter. Criteria: GeneDx Variant Classification (06012015). Collection method: clinical testing. Allele origin: germline. Affected: yes.
Comment: This variant is considered likely benign or benign based on one or more of the following criteria: it is a conservative change, it occurs at a poorly conserved position in the protein, it is predicted to be benign by multiple in silico algorithms, and/or has population frequency not consistent with disease.

Breakthrough Genomics
Classification: Benign. Review status: criteria provided, single submitter. Criteria: ACMG Guidelines, 2015. Collection method: not provided. Allele origin: germline. Inheritance: Autosomal recessive inheritance. Affected: yes.

Mayo Clinic Laboratories, Mayo Clinic
Classification: Benign. Last evaluated: 2016-02-11. Review status: no assertion criteria provided. Collection method: clinical testing. Allele origin: unknown. Not counted in ClinVar's aggregate classification.